The following is an entry in ClinVar:

NM_000163.5(GHR):c.1240C>A (p.Pro414Thr)

Gene: GHR (growth hormone receptor; plus strand). Cytogenetic location: 5p12.
Variant type: single nucleotide variant.
Coding change: c.1240C>A on transcript NM_000163.5 (MANE Select); coding-DNA position 1240, C replaced by A.
Protein change: p.Pro414Thr; replaces proline 414 with threonine.
Molecular consequence: missense variant. On other transcripts: 3 prime UTR variant (1).
Genome position (GRCh38, 1-based): chr5:42,718,747, C>A. VCF-style: chr5-42718747-C-A. GRCh37 (hg19) VCF-style: chr5-42718849-C-A.
Other names: c.1261C>A, p.Pro421Thr (NM_001242399.2); c.1240C>A, p.Pro414Thr (NM_001242400.2, NM_001242401.4, NM_001242402.2 and 4 more transcripts); c.1174C>A, p.Pro392Thr (NM_001242460.2); c.*282C>A (NM_001242462.1); short protein forms P421T, P392T, P414T.
Identifiers: ClinVar variation 1352032 (VCV001352032.6), dbSNP rs2111866963, ClinGen allele CA359629782.
Genomic context (GRCh38, chr5:42,718,747, plus strand): 5'-ATTCTGGAGACTGATTTCAATGCCAATGACATACATGAGGGTACCTCAGAGGTTGCTCAG[C>A]CACAGAGGTTAAAAGGGGAAGCAGATCTCTTATGCCTTGACCAGAAGAATCAAAATAACT-3'
Protein context (NP_000154.1, residues 404-424): IHEGTSEVAQ[Pro414Thr]QRLKGEADLL

ClinVar aggregate classification (germline): Uncertain significance (1 of 4 stars; one submission).

Submission:

Labcorp Genetics (formerly Invitae), Labcorp
Classification: Uncertain significance. Last evaluated: 2023-09-11. Review status: criteria provided, single submitter. Criteria: Invitae Variant Classification Sherloc (09022015). Collection method: clinical testing. Allele origin: germline.
Comment: This variant has not been reported in the literature in individuals affected with GHR-related conditions. Advanced modeling of protein sequence and biophysical properties (such as structural, functional, and spatial information, amino acid conservation, physicochemical variation, residue mobility, and thermodynamic stability) performed at Invitae indicates that this missense variant is not expected to disrupt GHR protein function. ClinVar contains an entry for this variant (Variation ID: 1352032). In summary, the available evidence is currently insufficient to determine the role of this variant in disease. Therefore, it has been classified as a Variant of Uncertain Significance. This variant is not present in population databases (gnomAD no frequency). This sequence change replaces proline, which is neutral and non-polar, with threonine, which is neutral and polar, at codon 414 of the GHR protein (p.Pro414Thr).